The following is an entry in ClinVar:

ClinVar aggregate classification (germline): Uncertain significance (1 of 4 stars; one submission).

Conditions:
Malignant hyperthermia, susceptibility to, 1 (MHS1). Also called: Anesthesia related hyperthermia; Malignant hyperpyrexia; Fulminating hyperpyrexia; Pharmacogenic myopathy; RYR1-Related Malignant Hyperthermia Susceptibility; Malignant hyperthermia suceptibility 1. Identifiers: Orphanet 423, MedGen C2930980, MONDO:0007783, OMIM 145600.

Submission:

All of Us Research Program, National Institutes of Health
Classification: Uncertain significance for Malignant hyperthermia, susceptibility to, 1. Last evaluated: 2024-03-05. Review status: criteria provided, single submitter. Criteria: ACMG Guidelines, 2015. Collection method: clinical testing. Allele origin: germline. Inheritance: Autosomal dominant inheritance. Observed: 2 variant alleles, 2 heterozygotes.
Comment: This study involves interpretation of variants in research participants for the purpose of population health screening. Participant phenotype was not available at the time of variant classification. Additional details can be found in publication PMID: 35346344, PMCID: PMC8962531

NM_000540.3(RYR1):c.5315G>A (p.Arg1772Lys)

Gene: RYR1 (ryanodine receptor 1; plus strand). Cytogenetic location: 19q13.2.
Variant type: single nucleotide variant.
Coding change: c.5315G>A on transcript NM_000540.3 (MANE Select); coding-DNA position 5315, G replaced by A.
Protein change: p.Arg1772Lys; replaces arginine 1772 with lysine.
Molecular consequence: missense variant.
Genome position (GRCh38, 1-based): chr19:38,485,970, G>A. VCF-style: chr19-38485970-G-A. GRCh37 (hg19) VCF-style: chr19-38976610-G-A.
Other names: c.5315G>A, p.Arg1772Lys (NM_001042723.2); short protein forms R1772K.
Identifiers: ClinVar variation 3387735 (VCV003387735.1).